The following is an entry in ClinVar:

ClinVar aggregate classification (germline): Uncertain significance. Review status: criteria provided, multiple submitters, no conflicts (2 of 4 stars). 2 submissions from 2 submitters: Uncertain significance (2). Last evaluated 2024-10-08.

Conditions:
Genitopatellar syndrome (GTPTS). Also called: Genitopatellar syndrome (GPS); ABSENT PATELLAE, SCROTAL HYPOPLASIA, RENAL ANOMALIES, FACIAL DYSMORPHISM, AND MENTAL RETARDATION. Identifiers: Orphanet 85201, MedGen C1853566, MONDO:0011640, OMIM 606170.
Blepharophimosis - intellectual disability syndrome, SBBYS type (SBBYSS). Also called: Say-Barber-Biesecker variant of Ohdo syndrome (SBBYSS); Say-Barber-Biesecker-Young-Simpson variant of Ohdo Syndrome; Say-Barber-Biesecker Variant of Ohdo Syndrome; Ohdo syndrome, SBBYS variant; SBBYSS syndrome; Say-Barber-Biesecker-Young-Simpson syndrome. Identifiers: Orphanet 3047, MedGen C1863557, MONDO:0011365, OMIM 603736.

gnomAD v4.1: 3 of 1,612,706 alleles (0.00019%); highest among the groups gnomAD compares: African/African-American, 0.004%; no homozygotes.

Submissions (2):

Women's Health and Genetics/Laboratory Corporation of America, LabCorp
Classification: Uncertain significance. Last evaluated: 2024-10-08. Review status: criteria provided, single submitter. Criteria: LabCorp Variant Classification Summary - May 2015. Collection method: clinical testing. Allele origin: germline.
Comment: Variant summary: KAT6B c.698A>G (p.Glu233Gly) results in a non-conservative amino acid change located in the Zinc finger, PHD-type (IPR001965) of the encoded protein sequence. Five of five in-silico tools predict a damaging effect of the variant on protein function. The variant was absent in 251444 control chromosomes (gnomAD). The available data on variant occurrences in the general population are insufficient to allow any conclusion about variant significance. To our knowledge, no occurrence of c.698A>G in individuals affected with KAT6B-Related Spectrum Disorders and no experimental evidence demonstrating its impact on protein function have been reported. No submitters have cited clinical-significance assessments for this variant to ClinVar. Based on the evidence outlined above, the variant was classified as uncertain significance.

Fulgent Genetics
Classification: Uncertain significance for Blepharophimosis - intellectual disability syndrome, SBBYS type; Genitopatellar syndrome. Last evaluated: 2024-03-27. Review status: criteria provided, single submitter. Criteria: ACMG Guidelines, 2015. Collection method: clinical testing. Allele origin: germline.

NM_012330.4(KAT6B):c.698A>G (p.Glu233Gly)

Gene: KAT6B (lysine acetyltransferase 6B; plus strand). Cytogenetic location: 10q22.2.
Variant type: single nucleotide variant.
Coding change: c.698A>G on transcript NM_012330.4 (MANE Select); coding-DNA position 698, A replaced by G.
Protein change: p.Glu233Gly; replaces glutamic acid 233 with glycine.
Molecular consequence: missense variant.
Genome position (GRCh38, 1-based): chr10:74,960,046, A>G. VCF-style: chr10-74960046-A-G. GRCh37 (hg19) VCF-style: chr10-76719804-A-G.
Other names: c.698A>G, p.Glu233Gly (NM_001256468.2, NM_001256469.2, NM_001370132.1 and 10 more transcripts); c.160A>G, p.Asn54Asp (NM_001370134.1, NM_001370135.1); short protein forms E233G, N54D.
Identifiers: ClinVar variation 3384850 (VCV003384850.2).
Genomic context (GRCh38, chr10:74,960,046, plus strand): 5'-TTCCAATATGTAGCTTCTGTTTGGGGACTAAAGAATCAAATCGTGAAAAGAAACCAGAAG[A>G]ACTCCTCTCTTGTGCAGATTGTGGCAGTAGTGGTAAGTTGTGTTTTTCCTATGTGTTGTA-3'
Protein context (NP_036462.2, residues 223-243): KESNREKKPE[Glu233Gly]LLSCADCGSS